The following is an entry in ClinVar:

NM_006031.6(PCNT):c.3740A>G (p.Glu1247Gly)

Gene: PCNT (pericentrin; plus strand). Cytogenetic location: 21q22.3.
Variant type: single nucleotide variant.
Coding change: c.3740A>G on transcript NM_006031.6 (MANE Select); coding-DNA position 3740, A replaced by G.
Protein change: p.Glu1247Gly; replaces glutamic acid 1247 with glycine.
Molecular consequence: missense variant.
Genome position (GRCh38, 1-based): chr21:46,389,331, A>G. VCF-style: chr21-46389331-A-G. GRCh37 (hg19) VCF-style: chr21-47809246-A-G.
Other names: c.3740A>G (NM_006031.5); c.3386A>G, p.Glu1129Gly (NM_001315529.2); short protein forms E1129G, E1247G.
Identifiers: ClinVar variation 1423395 (VCV001423395.8), dbSNP rs779953366, ClinGen allele CA10079431.

ClinVar aggregate classification (germline): Uncertain significance. Review status: criteria provided, multiple submitters, no conflicts (2 of 4 stars). 4 submissions from 4 submitters: Uncertain significance (4). Last evaluated 2025-09-26.

Conditions:
PCNT-related disorder. Also called: PCNT-related condition.
Inborn genetic diseases. Identifiers: MedGen C0950123, MeSH D030342.

gnomAD v4.1: 40 of 1,614,126 alleles (0.0025%); highest among the groups gnomAD compares: Admixed American, 0.047%; no homozygotes.

Submissions (4):

PreventionGenetics, part of Exact Sciences
Classification: Uncertain significance for PCNT-related condition. Last evaluated: 2025-09-26. Review status: criteria provided, single submitter. Criteria: ACMG Guidelines, 2015. Collection method: clinical testing. Allele origin: germline.
Comment: The PCNT c.3740A>G variant is predicted to result in the amino acid substitution p.Glu1247Gly. To our knowledge, this variant has not been reported in the literature. This variant is reported in 0.052% of alleles in individuals of Latino descent in gnomAD, which may be too common to be an undocumented pathogenic variant. Although we suspect that this variant may be benign, at this time, the clinical significance of this variant is uncertain due to the absence of conclusive functional and genetic evidence.

Ambry Genetics
Classification: Uncertain significance for Inborn genetic diseases. Last evaluated: 2025-06-06. Review status: criteria provided, single submitter. Criteria: Ambry Variant Classification Scheme 2023. Collection method: clinical testing. Allele origin: germline.

Blueprint Genetics
Classification: Uncertain significance. Last evaluated: 2023-07-07. Review status: criteria provided, single submitter. Criteria: ACMG Guidelines, 2015. Collection method: clinical testing. Allele origin: germline.

Labcorp Genetics (formerly Invitae), Labcorp
Classification: Uncertain significance. Last evaluated: 2022-10-30. Review status: criteria provided, single submitter. Criteria: Invitae Variant Classification Sherloc (09022015). Collection method: clinical testing. Allele origin: germline.
Comment: This sequence change replaces glutamic acid, which is acidic and polar, with glycine, which is neutral and non-polar, at codon 1247 of the PCNT protein (p.Glu1247Gly). This variant is present in population databases (rs779953366, gnomAD 0.04%). This variant has not been reported in the literature in individuals affected with PCNT-related conditions. ClinVar contains an entry for this variant (Variation ID: 1423395). Algorithms developed to predict the effect of missense changes on protein structure and function output the following: SIFT: "Deleterious"; PolyPhen-2: "Possibly Damaging"; Align-GVGD: "Class C15". The glycine amino acid residue is found in multiple mammalian species, which suggests that this missense change does not adversely affect protein function. In summary, the available evidence is currently insufficient to determine the role of this variant in disease. Therefore, it has been classified as a Variant of Uncertain Significance.